The following is an entry in ClinVar:

NM_000215.4(JAK3):c.*36G>A

Gene: JAK3 (Janus kinase 3; minus strand). Cytogenetic location: 19p13.11.
Variant type: single nucleotide variant.
Coding change: c.*36G>A on transcript NM_000215.4 (MANE Select); 36 bases downstream of the stop codon, G replaced by A.
Molecular consequence: 3 prime UTR variant.
Genome position (GRCh38, 1-based): chr19:17,826,707, C>T on the plus strand (G>A on the coding strand, the complement: JAK3 is on the minus strand). VCF-style: chr19-17826707-C-T. GRCh37 (hg19) VCF-style: chr19-17937516-C-T.
Identifiers: ClinVar variation 328496 (VCV000328496.7), dbSNP rs3212799, ClinGen allele CA9301331.
Genomic context (GRCh38, chr19:17,826,707, plus strand): 5'-CTCATAAGGCCTCTGAGGCCCAGAGAGGGGCAGCTCCGGGCCTAAGGTCACACAGCCAGT[C>T]AACAGAGACCTAATCCAGAGGTCTGCGGGCAGGAGCTATGAAAAGGACAGGGAGTGGTGT-3'

ClinVar aggregate classification (germline): Benign. Review status: criteria provided, multiple submitters, no conflicts (2 of 4 stars). 2 submissions from 2 submitters: Benign (2). Last evaluated 2018-07-07.

Conditions:
T-B+ severe combined immunodeficiency due to JAK3 deficiency. Also called: SCID, autosomal recessive, T-negative/B-positive type; SCID, T CELL-NEGATIVE, B CELL-POSITIVE, NK CELL-NEGATIVE. Identifiers: Orphanet 35078, MedGen C1833275, MONDO:0010938, OMIM 600802.

Allele frequency attached by ClinVar (database versions not stated): gnomAD 0.01948 and 0.01920; TOPMed 0.02153; gnomAD exomes 0.00466 and 0.01011; ExAC 0.01156; 1000 Genomes Project 30x 0.02561; ESP Exome Variant Server 0.01991; 1000 Genomes Project 0.02276.

Submissions (2):

GeneDx
Classification: Benign. Last evaluated: 2018-07-07. Review status: criteria provided, single submitter. Criteria: GeneDx Variant Classification Process June 2021. Collection method: clinical testing. Allele origin: germline. Affected: yes.

Illumina Laboratory Services, Illumina
Classification: Benign for T-B+ severe combined immunodeficiency due to JAK3 deficiency. Last evaluated: 2018-01-12. Review status: criteria provided, single submitter. Criteria: ICSL Variant Classification Criteria 13 December 2019. Collection method: clinical testing. Allele origin: germline.
Comment: This variant was observed in the ICSL laboratory as part of a predisposition screen in an ostensibly healthy population. It had not been previously curated by ICSL or reported in the Human Gene Mutation Database (HGMD: prior to June 1st, 2018), and was therefore a candidate for classification through an automated scoring system. Utilizing variant allele frequency, disease prevalence and penetrance estimates, and inheritance mode, an automated score was calculated to assess if this variant is too frequent to cause the disease. Based on the score and internal cut-off values, a variant classified as benign is not then subjected to further curation. The score for this variant resulted in a classification of benign for this disease.